The following is an entry in ClinVar:

NM_000053.4(ATP7B):c.2486A>G (p.Asp829Gly)

Gene: ATP7B (ATPase copper transporting beta; minus strand). Cytogenetic location: 13q14.3.
Variant type: single nucleotide variant.
Coding change: c.2486A>G on transcript NM_000053.4 (MANE Select); coding-DNA position 2486, A replaced by G.
Protein change: p.Asp829Gly; replaces aspartic acid 829 with glycine.
Molecular consequence: missense variant.
Genome position (GRCh38, 1-based): chr13:51,950,361, T>C on the plus strand (A>G on the coding strand, the complement: ATP7B is on the minus strand). VCF-style: chr13-51950361-T-C. GRCh37 (hg19) VCF-style: chr13-52524497-T-C.
Other names: p.Asp829Gly; c.2000A>G, p.Asp667Gly (NM_001005918.3); c.2153A>G, p.Asp718Gly (NM_001243182.2); c.2252A>G, p.Asp751Gly (NM_001330578.2); c.2234A>G, p.Asp745Gly (NM_001330579.2); short protein forms D829G, D718G, D667G, D745G, D751G.
Identifiers: ClinVar variation 582945 (VCV000582945.15), dbSNP rs1566503575, ClinGen allele CA388016681.

ClinVar aggregate classification (germline): Conflicting classifications of pathogenicity. Review status: criteria provided, conflicting classifications (1 of 4 stars). 4 submissions from 4 submitters: Pathogenic (1); Uncertain significance (3). Last evaluated 2025-10-01.

Conditions:
Wilson disease (WND). Also called: Wilson's disease. Identifiers: Orphanet 905, MedGen C0019202, MONDO:0010200, OMIM 277900. Disease mechanism: loss of function.

gnomAD v4.1: 1 of 1,614,128 alleles (0.000062%); highest among the groups gnomAD compares: Non-Finnish European, 0.000085%; no homozygotes.

Submissions (4):

Women's Health and Genetics/Laboratory Corporation of America, LabCorp
Classification: Uncertain significance. Last evaluated: 2025-10-01. Review status: criteria provided, single submitter. Criteria: LabCorp Variant Classification Summary - May 2015. Collection method: clinical testing. Allele origin: germline.
Comment: Variant summary: ATP7B c.2486A>G (p.Asp829Gly) results in a non-conservative amino acid change in the encoded protein sequence. Algorithms developed to predict the effect of missense changes on protein structure and function all suggest that this variant is likely to be disruptive. The variant was absent in 249572 control chromosomes (gnomAD). The available data on variant occurrences in the general population are insufficient to allow any conclusion about variant significance. c.2486A>G has been observed in at least one individual affected with Wilson Disease (internal data). These data do not allow any conclusion about variant significance. To our knowledge, no experimental evidence demonstrating an impact on protein function has been reported. ClinVar contains an entry for this variant (Variation ID: 582945). Based on the evidence outlined above, the variant was classified as uncertain significance.

ARUP Laboratories, Molecular Genetics and Genomics, ARUP Laboratories
Classification: Uncertain significance for Wilson disease. Last evaluated: 2025-06-06. Review status: criteria provided, single submitter. Criteria: ARUP Molecular Germline Variant Investigation Process 2024. Collection method: clinical testing. Allele origin: germline.
Comment: The ATP7B c.2486A>G; p.Asp829Gly (rs1566503575), to our knowledge, is not reported in the medical literature but is reported in ClinVar (Variation ID: 582945). This variant is also absent from the Genome Aggregation Database (v2.1.1), indicating it is not a common polymorphism. Computational analyses predict that this variant is deleterious (REVEL: 0.958). However, given the lack of clinical and functional data, the significance of this variant is uncertain at this time.

Mayo Clinic Laboratories, Mayo Clinic
Classification: Uncertain significance. Last evaluated: 2025-05-20. Review status: criteria provided, single submitter. Criteria: ACMG Guidelines, 2015. Collection method: clinical testing. Allele origin: germline. Observed: 1 variant allele.
Comment: PP3_strong, PM2_supporting

Labcorp Genetics (formerly Invitae), Labcorp
Classification: Pathogenic for Wilson disease. Last evaluated: 2022-08-31. Review status: criteria provided, single submitter. Criteria: Invitae Variant Classification Sherloc (09022015). Collection method: clinical testing. Allele origin: germline.
Comment: This variant is not present in population databases (gnomAD no frequency). For these reasons, this variant has been classified as Pathogenic. Algorithms developed to predict the effect of sequence changes on RNA splicing suggest that this variant may create or strengthen a splice site. Advanced modeling of protein sequence and biophysical properties (such as structural, functional, and spatial information, amino acid conservation, physicochemical variation, residue mobility, and thermodynamic stability) performed at Invitae indicates that this missense variant is expected to disrupt ATP7B protein function. ClinVar contains an entry for this variant (Variation ID: 582945). This missense change has been observed in individual(s) with Wilson disease (Invitae). In at least one individual the data is consistent with being in trans (on the opposite chromosome) from a pathogenic variant. This sequence change replaces aspartic acid, which is acidic and polar, with glycine, which is neutral and non-polar, at codon 829 of the ATP7B protein (p.Asp829Gly).